The following is an entry in ClinVar:

ClinVar aggregate classification (germline): Uncertain significance (1 of 4 stars; one submission).

Submission:

Labcorp Genetics (formerly Invitae), Labcorp
Classification: Uncertain significance. Last evaluated: 2023-12-30. Review status: criteria provided, single submitter. Criteria: Invitae Variant Classification Sherloc (09022015). Collection method: clinical testing. Allele origin: germline.
Comment: This sequence change replaces leucine, which is neutral and non-polar, with phenylalanine, which is neutral and non-polar, at codon 352 of the SLCO5A1 protein (p.Leu352Phe). This variant is not present in population databases (gnomAD no frequency). This variant has not been reported in the literature in individuals affected with SLCO5A1-related conditions. An algorithm developed to predict the effect of missense changes on protein structure and function (PolyPhen-2) suggests that this variant is likely to be disruptive. In summary, the available evidence is currently insufficient to determine the role of this variant in disease. Therefore, it has been classified as a Variant of Uncertain Significance.

NM_030958.3(SLCO5A1):c.1054C>T (p.Leu352Phe)

Gene: SLCO5A1 (solute carrier organic anion transporter family member 5A1; minus strand). Cytogenetic location: 8q13.3.
Variant type: single nucleotide variant.
Coding change: c.1054C>T on transcript NM_030958.3 (MANE Select); coding-DNA position 1054, C replaced by T.
Protein change: p.Leu352Phe; replaces leucine 352 with phenylalanine.
Molecular consequence: missense variant.
Genome position (GRCh38, 1-based): chr8:69,755,628, G>A on the plus strand (C>T on the coding strand, the complement: SLCO5A1 is on the minus strand). VCF-style: chr8-69755628-G-A. GRCh37 (hg19) VCF-style: chr8-70667863-G-A.
Other names: c.1054C>T, p.Leu352Phe (NM_001146008.2, NM_001146009.1); short protein forms L352F.
Identifiers: ClinVar variation 2877556 (VCV002877556.3), dbSNP rs1563703405, ClinGen allele CA371235969.
Genomic context (GRCh38, chr8:69,755,628, plus strand): 5'-GCTTTTTTGGGAAAGTAAACATTGGGAATATCACAAGAAACATTGCAATGGCACAAAGGA[G>A]GAATCCACTCCACCTAAAAAATTGGAAAATGTGAATAGCATTTACGTCTTTTCTTTTGTG-3'
Protein context (NP_112220.2, residues 342-362): RFIGNWWSGF[Leu352Phe]LCAIAMFLVI